The following is an entry in ClinVar:

NM_014915.3(ANKRD26):c.2625A>T (p.Gln875His)

Gene: ANKRD26 (ankyrin repeat domain 26; minus strand). Cytogenetic location: 10p12.1.
Variant type: single nucleotide variant.
Coding change: c.2625A>T on transcript NM_014915.3 (MANE Select); coding-DNA position 2625, A replaced by T.
Protein change: p.Gln875His; replaces glutamine 875 with histidine.
Molecular consequence: missense variant.
Genome position (GRCh38, 1-based): chr10:27,037,258, T>A on the plus strand (A>T on the coding strand, the complement: ANKRD26 is on the minus strand). VCF-style: chr10-27037258-T-A. GRCh37 (hg19) VCF-style: chr10-27326187-T-A.
Other names: c.2622A>T, p.Gln874His (NM_001256053.2); short protein forms Q875H, Q874H.
Identifiers: ClinVar variation 2132176 (VCV002132176.4), dbSNP rs2538783426, ClinGen allele CA376366330.

ClinVar aggregate classification (germline): Uncertain significance (1 of 4 stars; one submission).

Submission:

Labcorp Genetics (formerly Invitae), Labcorp
Classification: Uncertain significance. Last evaluated: 2022-05-29. Review status: criteria provided, single submitter. Criteria: Invitae Variant Classification Sherloc (09022015). Collection method: clinical testing. Allele origin: germline.
Comment: This variant has not been reported in the literature in individuals affected with ANKRD26-related conditions. This sequence change replaces glutamine, which is neutral and polar, with histidine, which is basic and polar, at codon 875 of the ANKRD26 protein (p.Gln875His). This variant is not present in population databases (gnomAD no frequency). Algorithms developed to predict the effect of missense changes on protein structure and function are either unavailable or do not agree on the potential impact of this missense change (SIFT: "Deleterious"; PolyPhen-2: "Probably Damaging"; Align-GVGD: "Class C0"). In summary, the available evidence is currently insufficient to determine the role of this variant in disease. Therefore, it has been classified as a Variant of Uncertain Significance.